The following is an entry in ClinVar:

ClinVar aggregate classification (germline): Uncertain significance (1 of 4 stars; one submission).

Submission:

Labcorp Genetics (formerly Invitae), Labcorp
Classification: Uncertain significance. Last evaluated: 2025-01-27. Review status: criteria provided, single submitter. Criteria: Invitae Variant Classification Sherloc (09022015). Collection method: clinical testing. Allele origin: germline.
Comment: This sequence change replaces aspartic acid, which is acidic and polar, with tyrosine, which is neutral and polar, at codon 224 of the RBMX protein (p.Asp224Tyr). This variant is not present in population databases (gnomAD no frequency). This variant has not been reported in the literature in individuals affected with RBMX-related conditions. An algorithm developed to predict the effect of missense changes on protein structure and function (PolyPhen-2) suggests that this variant is likely to be disruptive. In summary, the available evidence is currently insufficient to determine the role of this variant in disease. Therefore, it has been classified as a Variant of Uncertain Significance.

NM_002139.4(RBMX):c.670G>T (p.Asp224Tyr)

Gene: RBMX (RNA binding motif protein X-linked; minus strand). Cytogenetic location: Xq26.3.
Variant type: single nucleotide variant.
Coding change: c.670G>T on transcript NM_002139.4 (MANE Select); coding-DNA position 670, G replaced by T.
Protein change: p.Asp224Tyr; replaces aspartic acid 224 with tyrosine.
Molecular consequence: missense variant. On other transcripts: non-coding transcript variant (2).
Genome position (GRCh38, 1-based): chrX:136,875,370, C>A on the plus strand (G>T on the coding strand, the complement: RBMX is on the minus strand). VCF-style: chrX-136875370-C-A. GRCh37 (hg19) VCF-style: chrX-135957529-C-A.
Other names: c.345G>T, p.Glu115Asp (NM_001164803.2); short protein forms E115D, D224Y.
Identifiers: ClinVar variation 4711951 (VCV004711951.1).